The following is an entry in ClinVar:

ClinVar aggregate classification (germline): Uncertain significance (1 of 4 stars; one submission).

Conditions:
Inborn genetic diseases. Identifiers: MedGen C0950123, MeSH D030342.

gnomAD v4.1: 1 of 1,614,166 alleles (0.000062%); highest among the groups gnomAD compares: Admixed American, 0.0017%; no homozygotes.

Submission:

Ambry Genetics
Classification: Uncertain significance for Inborn genetic diseases. Last evaluated: 2025-01-30. Review status: criteria provided, single submitter. Criteria: Ambry Variant Classification Scheme 2023. Collection method: clinical testing. Allele origin: germline.
Comment: The p.Y128F variant (also known as c.383A>T), located in coding exon 3 of the SBDS gene, results from an A to T substitution at nucleotide position 383. The tyrosine at codon 128 is replaced by phenylalanine, an amino acid with highly similar properties. This amino acid position is conserved. In addition, the in silico prediction for this alteration is inconclusive. Based on the available evidence, the clinical significance of this variant remains unclear.

NM_016038.4(SBDS):c.383A>T (p.Tyr128Phe)

Gene: SBDS (SBDS ribosome maturation factor; minus strand). Cytogenetic location: 7q11.21.
Variant type: single nucleotide variant.
Coding change: c.383A>T on transcript NM_016038.4 (MANE Select); coding-DNA position 383, A replaced by T.
Protein change: p.Tyr128Phe; replaces tyrosine 128 with phenylalanine.
Molecular consequence: missense variant.
Genome position (GRCh38, 1-based): chr7:66,993,293, T>A on the plus strand (A>T on the coding strand, the complement: SBDS is on the minus strand). VCF-style: chr7-66993293-T-A. GRCh37 (hg19) VCF-style: chr7-66458280-T-A.
Other names: short protein forms Y128F.
Identifiers: ClinVar variation 3792726 (VCV003792726.1).